The following is an entry in ClinVar:

NM_001126121.2(SLC25A19):c.775-11C>T

Genes: MIF4GD-DT (MIF4GD divergent transcript; plus strand), SLC25A19 (solute carrier family 25 member 19; minus strand). Cytogenetic location: 17q25.1.
Variant type: single nucleotide variant.
Coding change: c.775-11C>T on transcript NM_001126121.2 (MANE Select); 11 bases into the intron before coding-DNA position 775, C replaced by T.
Molecular consequence: intron variant. On other transcripts: non-coding transcript variant (1).
Genome position (GRCh38, 1-based): chr17:75,273,650, G>A on the plus strand (C>T on the coding strand, the complement: SLC25A19 is on the minus strand). VCF-style: chr17-75273650-G-A. GRCh37 (hg19) VCF-style: chr17-73269731-G-A.
Other names: c.775-11C>T (NM_001126122.2, NM_021734.5).
Identifiers: ClinVar variation 509773 (VCV000509773.1), dbSNP rs541835381, ClinGen allele CA501795867.

ClinVar aggregate classification (germline): Likely benign (1 of 4 stars; one submission).

Allele frequency attached by ClinVar (database versions not stated): gnomAD exomes below 0.00001.
gnomAD v4.1: 5 of 1,611,626 alleles (0.00031%); highest among the groups gnomAD compares: Non-Finnish European, 0.00042%; no homozygotes.

Submission:

GeneDx
Classification: Likely benign. Last evaluated: 2017-05-30. Review status: criteria provided, single submitter. Criteria: GeneDx Variant Classification (06012015). Collection method: clinical testing. Allele origin: germline. Affected: yes.
Comment: This variant is considered likely benign or benign based on one or more of the following criteria: it is a conservative change, it occurs at a poorly conserved position in the protein, it is predicted to be benign by multiple in silico algorithms, and/or has population frequency not consistent with disease.